The following is an entry in ClinVar:

NM_001025195.2(CES1):c.-2C>G

Gene: CES1 (carboxylesterase 1; minus strand). Cytogenetic location: 16q12.2.
Variant type: single nucleotide variant.
Coding change: c.-2C>G on transcript NM_001025195.2 (MANE Select); 2 bases upstream of the start codon, C replaced by G.
Molecular consequence: 5 prime UTR variant.
Genome position (GRCh38, 1-based): chr16:55,833,057, G>C on the plus strand (C>G on the coding strand, the complement: CES1 is on the minus strand). VCF-style: chr16-55833057-G-C. GRCh37 (hg19) VCF-style: chr16-55866969-G-C.
Other names: c.-2C>G (NM_001025194.2, NM_001266.5).
Identifiers: ClinVar variation 4990994 (VCV004990994.1).

ClinVar aggregate classification (germline): Likely benign (1 of 4 stars; one submission).

Conditions:
CES1-related condition.

Submission:

PreventionGenetics, part of Exact Sciences
Classification: Likely benign for CES1-related condition. Last evaluated: 2026-06-19. Review status: criteria provided, single submitter. Criteria: ACMG Guidelines, 2015. Collection method: clinical testing. Allele origin: germline.
Comment: This variant is classified as likely benign based on ACMG/AMP sequence variant interpretation guidelines (Richards et al. 2015 PMID: 25741868, with internal and published modifications).